The following is an entry in ClinVar:

ClinVar aggregate classification (germline): Uncertain significance (1 of 4 stars; one submission).

Conditions:
BAP1-related tumor predisposition syndrome (TPDS1). Also called: Tumor susceptibility linked to germline BAP1 mutations; TUMOR PREDISPOSITION SYNDROME 1; BAP1 tumor predisposition syndrome; COMMON Syndrome. Identifiers: Orphanet 289539, MedGen C3280492, MONDO:0013692, OMIM 614327.

Submission:

Labcorp Genetics (formerly Invitae), Labcorp
Classification: Uncertain significance for BAP1-related tumor predisposition syndrome. Last evaluated: 2024-03-21. Review status: criteria provided, single submitter. Criteria: Invitae Variant Classification Sherloc (09022015). Collection method: clinical testing. Allele origin: germline.
Comment: This sequence change falls in intron 4 of the BAP1 gene. It does not directly change the encoded amino acid sequence of the BAP1 protein. This variant is not present in population databases (gnomAD no frequency). This variant has not been reported in the literature in individuals affected with BAP1-related conditions. Algorithms developed to predict the effect of sequence changes on RNA splicing suggest that this variant may disrupt the consensus splice site. In summary, the available evidence is currently insufficient to determine the role of this variant in disease. Therefore, it has been classified as a Variant of Uncertain Significance.

NM_004656.4(BAP1):c.256-6T>A

Gene: BAP1 (BRCA1 associated deubiquitinase 1; minus strand). Cytogenetic location: 3p21.1.
Variant type: single nucleotide variant.
Coding change: c.256-6T>A on transcript NM_004656.4 (MANE Select); 6 bases into the intron before coding-DNA position 256, T replaced by A.
Molecular consequence: intron variant.
Genome position (GRCh38, 1-based): chr3:52,408,083, A>T on the plus strand (T>A on the coding strand, the complement: BAP1 is on the minus strand). VCF-style: chr3-52408083-A-T. GRCh37 (hg19) VCF-style: chr3-52442099-A-T.
Other names: c.256-6T>A (NM_001410772.1).
Identifiers: ClinVar variation 3647265 (VCV003647265.2).
Genomic context (GRCh38, chr3:52,408,083, plus strand): 5'-TGCAGTTCAGGAGCACGCTCAGCAAGGCATGAGTTGCACAAGAGTTGGGTATCAGCTGTG[A>T]AACCAAGAATAGTCACCCATACACAGCACCCCTCACTGCAAGCCCCAAGCCCATATACAT-3'